The following is an entry in ClinVar:

NM_022051.3(EGLN1):c.633C>A (p.Asp211Glu)

Gene: EGLN1 (egl-9 family hypoxia inducible factor 1; minus strand). Cytogenetic location: 1q42.2.
Variant type: single nucleotide variant.
Coding change: c.633C>A on transcript NM_022051.3 (MANE Select); coding-DNA position 633, C replaced by A.
Protein change: p.Asp211Glu; replaces aspartic acid 211 with glutamic acid.
Molecular consequence: missense variant.
Genome position (GRCh38, 1-based): chr1:231,421,256, G>T on the plus strand (C>A on the coding strand, the complement: EGLN1 is on the minus strand). VCF-style: chr1-231421256-G-T. GRCh37 (hg19) VCF-style: chr1-231557002-G-T.
Other names: c.633C>A, p.Asp211Glu (NM_001377260.1, NM_001377261.1); short protein forms D211E.
Identifiers: ClinVar variation 1752939 (VCV001752939.2), dbSNP rs759792964, ClinGen allele CA345236215.
Genomic context (GRCh38, chr1:231,421,256, plus strand): 5'-GTCGTGCAGGGCGCGCACCTCGTCGCCGATCTGCTGTCCGGTCTCCTTGCCGAGGAAGTC[G>T]TCCACCACACAGATGCCGTGCTTGTTCATGCACGGCACGATGTACTCGAGCGCCAGCTTC-3'
Protein context (NP_071334.1, residues 201-221): CMNKHGICVV[Asp211Glu]DFLGKETGQQ

ClinVar aggregate classification (germline): Uncertain significance (1 of 4 stars; one submission).

Submission:

Ambry Genetics
Classification: Uncertain significance. Last evaluated: 2021-07-20. Review status: criteria provided, single submitter. Criteria: Ambry Variant Classification Scheme 2023. Collection method: clinical testing. Allele origin: germline.
Comment: The p.D211E variant (also known as c.633C>A), located in coding exon 1 of the EGLN1 gene, results from a C to A substitution at nucleotide position 633. The aspartic acid at codon 211 is replaced by glutamic acid, an amino acid with highly similar properties. This amino acid position is conserved. In addition, this alteration is predicted to be tolerated by in silico analysis. Since supporting evidence is limited at this time, the clinical significance of this alteration remains unclear.